The following is an entry in ClinVar:

NM_018474.6(KIZ):c.1412C>T (p.Thr471Ile)

Genes: KIZ (kizuna centrosomal protein; plus strand), KIZ-AS1 (KIZ antisense RNA 1; minus strand). Cytogenetic location: 20p11.23.
Variant type: single nucleotide variant.
Coding change: c.1412C>T on transcript NM_018474.6 (MANE Select); coding-DNA position 1412, C replaced by T.
Protein change: p.Thr471Ile; replaces threonine 471 with isoleucine.
Molecular consequence: missense variant. On other transcripts: intron variant (2).
Genome position (GRCh38, 1-based): chr20:21,205,550, C>T. VCF-style: chr20-21205550-C-T. GRCh37 (hg19) VCF-style: chr20-21186188-C-T.
Other names: c.1103C>T, p.Thr368Ile (NM_001163022.3); c.1013C>T, p.Thr338Ile (NM_001163023.3); c.1265C>T, p.Thr422Ile (NM_001276389.2); c.1070C>T, p.Thr357Ile (NM_001352436.2); c.1392+20C>T (NM_001352434.2); c.1083+20C>T (NM_001352435.2); short protein forms T338I, T422I, T357I, T471I, T368I.
Identifiers: ClinVar variation 1036083 (VCV001036083.7), dbSNP rs371723768, ClinGen allele CA9784859.

ClinVar aggregate classification (germline): Uncertain significance (1 of 4 stars; one submission).

Allele frequency attached by ClinVar (database versions not stated): gnomAD 0.00001 and 0.00002; TOPMed 0.00002; ExAC 0.00005; ESP Exome Variant Server 0.00008.
gnomAD v4.1: 10 of 1,559,578 alleles (0.00064%); highest among the groups gnomAD compares: South Asian, 0.0012%; no homozygotes.

Submission:

Labcorp Genetics (formerly Invitae), Labcorp
Classification: Uncertain significance. Last evaluated: 2020-03-17. Review status: criteria provided, single submitter. Criteria: Invitae Variant Classification Sherloc (09022015). Collection method: clinical testing. Allele origin: germline.
Comment: In summary, the available evidence is currently insufficient to determine the role of this variant in disease. Therefore, it has been classified as a Variant of Uncertain Significance. Experimental studies and prediction algorithms are not available or were not evaluated, and the functional significance of this variant is currently unknown. This variant has not been reported in the literature in individuals with KIZ-related conditions. This variant is present in population databases (rs371723768, ExAC 0.009%). This sequence change replaces threonine with isoleucine at codon 471 of the KIZ protein (p.Thr471Ile). The threonine residue is moderately conserved and there is a moderate physicochemical difference between threonine and isoleucine.